The following is an entry in ClinVar:

ClinVar aggregate classification (germline): Uncertain significance (1 of 4 stars; one submission).

Conditions:
Alstrom syndrome (ALMS). Identifiers: Orphanet 64, MedGen C0268425, MONDO:0008763, OMIM 203800.

Allele frequency attached by ClinVar (database versions not stated): gnomAD 0.00001; gnomAD exomes 0.00001.
gnomAD v4.1: 15 of 1,607,750 alleles (0.00093%); highest among the groups gnomAD compares: Admixed American, 0.0017%; no homozygotes.

Submission:

Labcorp Genetics (formerly Invitae), Labcorp
Classification: Uncertain significance for Alstrom syndrome. Last evaluated: 2022-07-03. Review status: criteria provided, single submitter. Criteria: Invitae Variant Classification Sherloc (09022015). Collection method: clinical testing. Allele origin: germline.
Comment: This sequence change replaces valine, which is neutral and non-polar, with isoleucine, which is neutral and non-polar, at codon 3489 of the ALMS1 protein (p.Val3489Ile). This variant is present in population databases (no rsID available, gnomAD 0.003%). This variant has not been reported in the literature in individuals affected with ALMS1-related conditions. Experimental studies and prediction algorithms are not available or were not evaluated, and the functional significance of this variant is currently unknown. In summary, the available evidence is currently insufficient to determine the role of this variant in disease. Therefore, it has been classified as a Variant of Uncertain Significance.

NM_001378454.1(ALMS1):c.10462G>A (p.Val3488Ile)

Gene: ALMS1 (ALMS1 centrosome and basal body associated protein; plus strand). Cytogenetic location: 2p13.1.
Variant type: single nucleotide variant.
Coding change: c.10462G>A on transcript NM_001378454.1 (MANE Select); coding-DNA position 10462, G replaced by A.
Protein change: p.Val3488Ile; replaces valine 3488 with isoleucine.
Molecular consequence: missense variant.
Genome position (GRCh38, 1-based): chr2:73,572,339, G>A. VCF-style: chr2-73572339-G-A. GRCh37 (hg19) VCF-style: chr2-73799466-G-A.
Other names: c.10465G>A, p.Val3489Ile (NM_015120.4); short protein forms V3488I, V3489I.
Identifiers: ClinVar variation 1935580 (VCV001935580.2), dbSNP rs1057523167, ClinGen allele CA347283010.
Genomic context (GRCh38, chr2:73,572,339, plus strand): 5'-GAATTTGAAAATACTACCCGTTCTGTCTTCAGGTCAGCAAAGTTTTACATTCATCATCCC[G>A]TACACCTACCAAGTGATCAAGATATTTGCCATGAATCTTTGGGAAAGAGTGTTTTCATGA-3'
Protein context (NP_001365383.1, residues 3478-3498): RSAKFYIHHP[Val3488Ile]HLPSDQDICH